The following is an entry in ClinVar:

ClinVar aggregate classification (germline): Pathogenic. Review status: criteria provided, multiple submitters, no conflicts (2 of 4 stars). 5 submissions from 5 submitters: Pathogenic (5). Last evaluated 2024-04-22.

Conditions:
Hereditary cancer-predisposing syndrome. Also called: Tumor predisposition; Neoplastic Syndromes, Hereditary; Hereditary neoplastic syndrome; Hereditary Cancer Syndrome. Identifiers: Orphanet 140162, MedGen C0027672, MeSH D009386, MONDO:0015356.
Familial cancer of breast. Also called: Hereditary breast cancer; hereditary breast carcinoma; BREAST CANCER, FAMILIAL. Identifiers: Orphanet 227535, MedGen C0346153, MONDO:0016419, OMIM 114480. Disease mechanism: loss of function.
Ataxia-telangiectasia syndrome (AT). Also called: Ataxia-telangiectasia, complementation group D; AT, COMPLEMENTATION GROUP C; ATAXIA-TELANGIECTASIA, COMPLEMENTATION GROUP A; ATAXIA-TELANGIECTASIA, FRESNO VARIANT; Ataxia-telangiectasia; Ataxia telangiectasia (A-T). Identifiers: Orphanet 100, MedGen C0004135, MONDO:0008840, OMIM 208900.

Allele frequency attached by ClinVar (database versions not stated): gnomAD exomes below 0.00001.
gnomAD v4.1: 2 of 1,611,516 alleles (0.00012%); highest among the groups gnomAD compares: Non-Finnish European, 0.000085%; no homozygotes.

Submissions (5):

Labcorp Genetics (formerly Invitae), Labcorp
Classification: Pathogenic for Ataxia-telangiectasia syndrome. Last evaluated: 2024-04-22. Review status: criteria provided, single submitter. Criteria: Invitae Variant Classification Sherloc (09022015). Collection method: clinical testing. Allele origin: germline.
Comment: This sequence change creates a premature translational stop signal (p.Gln2874*) in the ATM gene. It is expected to result in an absent or disrupted protein product. Loss-of-function variants in ATM are known to be pathogenic (PMID: 23807571, 25614872). This variant is not present in population databases (gnomAD no frequency). This premature translational stop signal has been observed in individual(s) with clinical features of ATM-related conditions (PMID: 12815592, 28580595). ClinVar contains an entry for this variant (Variation ID: 927542). For these reasons, this variant has been classified as Pathogenic.

Ambry Genetics
Classification: Pathogenic for Hereditary cancer-predisposing syndrome. Last evaluated: 2023-11-18. Review status: criteria provided, single submitter. Criteria: Ambry Variant Classification Scheme 2023. Collection method: clinical testing. Allele origin: germline.
Comment: The p.Q2874* pathogenic mutation (also known as c.8620C>T), located in coding exon 58 of the ATM gene, results from a C to T substitution at nucleotide position 8620. This changes the amino acid from a glutamine to a stop codon within coding exon 58. This alteration was identified in an individual diagnosed with ataxia-telangiectasia (Mitui M et al. Hum Mutat, 2003 Jul;22:43-50). This variant was also identified in an individual diagnosed with breast cancer (Xie Y et al. Clin Genet, 2018 Jan;93:41-51). This variant is considered to be rare based on population cohorts in the Genome Aggregation Database (gnomAD). In addition to the clinical data presented in the literature, this alteration is expected to result in loss of function by premature protein truncation or nonsense-mediated mRNA decay. As such, this alteration is interpreted as a disease-causing mutation.

Women's Health and Genetics/Laboratory Corporation of America, LabCorp
Classification: Pathogenic for Ataxia-telangiectasia syndrome. Last evaluated: 2023-09-14. Review status: criteria provided, single submitter. Criteria: LabCorp Variant Classification Summary - May 2015. Collection method: clinical testing. Allele origin: germline.
Comment: Variant summary: ATM c.8620C>T (p.Gln2874X) results in a premature termination codon, predicted to cause a truncation of the encoded protein or absence of the protein due to nonsense mediated decay, which are commonly known mechanisms for disease. Variants downstream of this position have been classified as pathogenic by our laboratory. The variant was absent in 250348 control chromosomes (gnomAD). c.8620C>T has been reported in the literature in at-least one individual affected with Ataxia-Telangiectasia (example: Coutinho_2004). The following publication has been ascertained in the context of this evaluation (PMID: 15039971). Two submitters have cited clinical-significance assessments for this variant to ClinVar after 2014. All submitters classified the variant as pathogenic. Based on the evidence outlined above, the variant was classified as pathogenic.

Color Diagnostics, LLC DBA Color Health
Classification: Pathogenic for Hereditary cancer-predisposing syndrome. Last evaluated: 2020-01-15. Review status: criteria provided, single submitter. Criteria: ACMG Guidelines, 2015. Collection method: clinical testing. Allele origin: germline.
Comment: This variant changes 1 nucleotide in exon 59 of the ATM gene, creating a premature translation stop signal. This variant is expected to result in an absent or non-functional protein product. This variant has not been identified in the general population by the Genome Aggregation Database (gnomAD). Loss of ATM function is a known mechanism of disease. Based on the available evidence, this variant is classified as Pathogenic.

Institute of Human Genetics, University Hospital of Duesseldorf
Classification: Pathogenic for Familial cancer of breast. Review status: criteria provided, single submitter. Criteria: ACMG Guidelines, 2015. Collection method: not provided. Allele origin: germline. Inheritance: Autosomal dominant inheritance. Affected: yes.

Literature cited by the submitters: PubMed 23807571 (cited by Labcorp Genetics (formerly Invitae), Labcorp); PubMed 25614872 (cited by Labcorp Genetics (formerly Invitae), Labcorp); PubMed 12815592 (cited by Labcorp Genetics (formerly Invitae), Labcorp and Ambry Genetics); PubMed 28580595 (cited by Labcorp Genetics (formerly Invitae), Labcorp and Ambry Genetics); PubMed 15039971 (cited by Women's Health and Genetics/Laboratory Corporation of America, LabCorp).

NM_000051.4(ATM):c.8620C>T (p.Gln2874Ter)

Genes: ATM (ATM serine/threonine kinase; plus strand), C11orf65 (chromosome 11 open reading frame 65; minus strand). Cytogenetic location: 11q22.3.
Variant type: single nucleotide variant.
Coding change: c.8620C>T on transcript NM_000051.4 (MANE Select); coding-DNA position 8620, C replaced by T.
Protein change: p.Gln2874Ter; replaces glutamine 2874 with a stop codon.
Molecular consequence: nonsense. On other transcripts: intron variant (2).
Genome position (GRCh38, 1-based): chr11:108,347,314, C>T. VCF-style: chr11-108347314-C-T. GRCh37 (hg19) VCF-style: chr11-108218041-C-T.
Other names: c.8620C>T, p.Gln2874Ter (NM_001351834.2); c.641-38243G>A (NM_001330368.2); c.695-12022G>A (NM_001351110.2); short protein forms Q2874*.
Identifiers: ClinVar variation 927542 (VCV000927542.11), dbSNP rs2088551822, ClinGen allele CA382520729.